The following is an entry in ClinVar:

ClinVar aggregate classification (germline): Uncertain significance (1 of 4 stars; one submission).

Submission:

Labcorp Genetics (formerly Invitae), Labcorp
Classification: Uncertain significance. Last evaluated: 2025-01-08. Review status: criteria provided, single submitter. Criteria: Invitae Variant Classification Sherloc (09022015). Collection method: clinical testing. Allele origin: germline.
Comment: This sequence change replaces methionine, which is neutral and non-polar, with threonine, which is neutral and polar, at codon 1638 of the MTOR protein (p.Met1638Thr). This variant is not present in population databases (gnomAD no frequency). This variant has not been reported in the literature in individuals affected with MTOR-related conditions. Invitae Evidence Modeling of protein sequence and biophysical properties (such as structural, functional, and spatial information, amino acid conservation, physicochemical variation, residue mobility, and thermodynamic stability) indicates that this missense variant is not expected to disrupt MTOR protein function with a negative predictive value of 95%. In summary, the available evidence is currently insufficient to determine the role of this variant in disease. Therefore, it has been classified as a Variant of Uncertain Significance.

NM_004958.4(MTOR):c.4913T>C (p.Met1638Thr)

Gene: MTOR (mechanistic target of rapamycin kinase; minus strand). Cytogenetic location: 1p36.22.
Variant type: single nucleotide variant.
Coding change: c.4913T>C on transcript NM_004958.4 (MANE Select); coding-DNA position 4913, T replaced by C.
Protein change: p.Met1638Thr; replaces methionine 1638 with threonine.
Molecular consequence: missense variant.
Genome position (GRCh38, 1-based): chr1:11,139,618, A>G on the plus strand (T>C on the coding strand, the complement: MTOR is on the minus strand). VCF-style: chr1-11139618-A-G. GRCh37 (hg19) VCF-style: chr1-11199675-A-G.
Other names: c.4913T>C, p.Met1638Thr (NM_001386500.1); c.3665T>C, p.Met1222Thr (NM_001386501.1); short protein forms M1222T, M1638T.
Identifiers: ClinVar variation 3633485 (VCV003633485.2).